The following is an entry in ClinVar:

NM_000079.4(CHRNA1):c.345-10C>T

Gene: CHRNA1 (cholinergic receptor nicotinic alpha 1 subunit; minus strand). Cytogenetic location: 2q31.1.
Variant type: single nucleotide variant.
Coding change: c.345-10C>T on transcript NM_000079.4 (MANE Select); 10 bases into the intron before coding-DNA position 345, C replaced by T.
Molecular consequence: intron variant.
Genome position (GRCh38, 1-based): chr2:174,754,424, G>A on the plus strand (C>T on the coding strand, the complement: CHRNA1 is on the minus strand). VCF-style: chr2-174754424-G-A. GRCh37 (hg19) VCF-style: chr2-175619152-G-A.
Other names: c.420-10C>T (NM_001039523.3, NM_001039523.2).
Identifiers: ClinVar variation 534538 (VCV000534538.11), dbSNP rs775001526, ClinGen allele CA1974568.

ClinVar aggregate classification (germline): Likely benign. Review status: criteria provided, single submitter (1 of 4 stars). 2 submissions from 2 submitters: Likely benign (1). 1 of the submissions does not count toward it. Last evaluated 2025-11-20.

Conditions:
Lethal multiple pterygium syndrome (LMPS). Identifiers: Orphanet 33108, MedGen C1854678, MONDO:0009668, OMIM 253290.
CHRNA1-related disorder. Also called: CHRNA1-related condition.

Allele frequency attached by ClinVar (database versions not stated): gnomAD exomes 0.00002 and 0.00007; gnomAD 0.00004 and 0.00005; TOPMed 0.00005; ExAC 0.00008.
gnomAD v4.1: 42 of 1,613,218 alleles (0.0026%); highest among the groups gnomAD compares: Non-Finnish European, 0.00051%; no homozygotes.

Submissions (2):

Labcorp Genetics (formerly Invitae), Labcorp
Classification: Likely benign for Lethal multiple pterygium syndrome. Last evaluated: 2025-11-20. Review status: criteria provided, single submitter. Criteria: Invitae Variant Classification Sherloc (09022015). Collection method: clinical testing. Allele origin: germline.

PreventionGenetics, part of Exact Sciences
Classification: Likely benign for CHRNA1-related condition. Last evaluated: 2019-07-10. Review status: no assertion criteria provided. Collection method: clinical testing. Allele origin: germline. Not counted in ClinVar's aggregate classification.
Comment: This variant is classified as likely benign based on ACMG/AMP sequence variant interpretation guidelines (Richards et al. 2015 PMID: 25741868, with internal and published modifications).